The following is an entry in ClinVar:

ClinVar aggregate classification (germline): Uncertain significance (1 of 4 stars; one submission).

gnomAD v4.1: 1 of 1,614,270 alleles (0.000062%); highest among the groups gnomAD compares: Non-Finnish European, 0.000085%; no homozygotes.

Submission:

Labcorp Genetics (formerly Invitae), Labcorp
Classification: Uncertain significance. Last evaluated: 2024-07-04. Review status: criteria provided, single submitter. Criteria: Invitae Variant Classification Sherloc (09022015). Collection method: clinical testing. Allele origin: germline.
Comment: This sequence change replaces methionine, which is neutral and non-polar, with valine, which is neutral and non-polar, at codon 86 of the MYH9 protein (p.Met86Val). This variant is not present in population databases (gnomAD no frequency). This variant has not been reported in the literature in individuals affected with MYH9-related conditions. Advanced modeling of protein sequence and biophysical properties (such as structural, functional, and spatial information, amino acid conservation, physicochemical variation, residue mobility, and thermodynamic stability) has been performed at Invitae for this missense variant, however the output from this modeling did not meet the statistical confidence thresholds required to predict the impact of this variant on MYH9 protein function. In summary, the available evidence is currently insufficient to determine the role of this variant in disease. Therefore, it has been classified as a Variant of Uncertain Significance.

NM_002473.6(MYH9):c.256A>G (p.Met86Val)

Gene: MYH9 (myosin heavy chain 9; minus strand). Cytogenetic location: 22q12.3.
Variant type: single nucleotide variant.
Coding change: c.256A>G on transcript NM_002473.6 (MANE Select); coding-DNA position 256, A replaced by G.
Protein change: p.Met86Val; replaces methionine 86 with valine.
Molecular consequence: missense variant.
Genome position (GRCh38, 1-based): chr22:36,348,981, T>C on the plus strand (A>G on the coding strand, the complement: MYH9 is on the minus strand). VCF-style: chr22-36348981-T-C. GRCh37 (hg19) VCF-style: chr22-36745026-T-C.
Other names: short protein forms M86V.
Identifiers: ClinVar variation 3646291 (VCV003646291.2).